The following is an entry in ClinVar:

NM_000548.5(TSC2):c.1746C>T (p.His582=)

Gene: TSC2 (TSC complex subunit 2; plus strand). Cytogenetic location: 16p13.3.
Variant type: single nucleotide variant.
Coding change: c.1746C>T on transcript NM_000548.5 (MANE Select); coding-DNA position 1746, C replaced by T.
Protein change: p.His582=; no amino-acid change (histidine 582 retained).
Molecular consequence: synonymous variant.
Genome position (GRCh38, 1-based): chr16:2,070,485, C>T. VCF-style: chr16-2070485-C-T. GRCh37 (hg19) VCF-style: chr16-2120486-C-T.
Other names: c.1746C>T, p.His582= (NM_001077183.3, NM_001114382.3, NM_001363528.2 and 3 more transcripts); c.1635C>T, p.His545= (NM_001318827.2); c.1599C>T, p.His533= (NM_001318829.2); c.1146C>T, p.His382= (NM_001318831.2); c.1779C>T, p.His593= (NM_001318832.2).
Identifiers: ClinVar variation 231042 (VCV000231042.26), dbSNP rs876658921, ClinGen allele CA10579876.

ClinVar aggregate classification (germline): Benign/Likely benign. Review status: criteria provided, multiple submitters, no conflicts (2 of 4 stars). 7 submissions from 7 submitters: Benign (2); Likely benign (5). Last evaluated 2026-03-01.

Conditions:
Hereditary cancer-predisposing syndrome. Also called: Neoplastic Syndromes, Hereditary; Hereditary Cancer Syndrome; Tumor predisposition; Hereditary neoplastic syndrome. Identifiers: Orphanet 140162, MedGen C0027672, MeSH D009386, MONDO:0015356.
Tuberous sclerosis syndrome (TSC). Also called: Tuberous Sclerosis Complex; Tuberous sclerosis. Identifiers: Orphanet 805, MedGen C0041341, MONDO:0001734.
Tuberous sclerosis 2 (TSC2). Identifiers: Orphanet 805, MedGen C1860707, MONDO:0013199, OMIM 613254.

Allele frequency attached by ClinVar (database versions not stated): gnomAD exomes 0.00001.
gnomAD v4.1: 7 of 1,613,424 alleles (0.00043%); highest among the groups gnomAD compares: South Asian, 0.0033%; no homozygotes.

Submissions (7):

CeGaT Center for Human Genetics Tuebingen
Classification: Likely benign. Last evaluated: 2026-03-01. Review status: criteria provided, single submitter. Criteria: CeGaT Center For Human Genetics Tuebingen Variant Classification Criteria Version 2. Collection method: clinical testing. Allele origin: germline. Affected: yes. Observed: 1 variant allele.
Comment: TSC2: BP4, BP7

Labcorp Genetics (formerly Invitae), Labcorp
Classification: Likely benign for Tuberous sclerosis 2. Last evaluated: 2025-10-13. Review status: criteria provided, single submitter. Criteria: Invitae Variant Classification Sherloc (09022015). Collection method: clinical testing. Allele origin: germline.

Myriad Genetics, Inc.
Classification: Benign for Tuberous sclerosis 2. Last evaluated: 2025-05-15. Review status: criteria provided, single submitter. Criteria: Myriad Autosomal Dominant, Autosomal Recessive and X-Linked Classification Criteria (2023). Collection method: clinical testing. Allele origin: unknown.
Comment: This variant is considered benign. This variant is a silent/synonymous amino acid change and it is not expected to impact splicing.

All of Us Research Program, National Institutes of Health
Classification: Likely benign for Tuberous sclerosis syndrome. Last evaluated: 2024-08-30. Review status: criteria provided, single submitter. Criteria: ACMG Guidelines, 2015. Collection method: clinical testing. Allele origin: germline. Inheritance: Autosomal dominant inheritance. Observed: 2 variant alleles, 2 heterozygotes.
Comment: This study involves interpretation of variants in research participants for the purpose of population health screening. Participant phenotype was not available at the time of variant classification. Additional details can be found in publication PMID: 35346344, PMCID: PMC8962531

Genome-Nilou Lab
Classification: Benign for Tuberous sclerosis 2. Last evaluated: 2021-11-07. Review status: criteria provided, single submitter. Criteria: ACMG Guidelines, 2015. Collection method: clinical testing. Allele origin: germline. Affected: no.

GeneDx
Classification: Likely benign. Last evaluated: 2019-12-27. Review status: criteria provided, single submitter. Criteria: GeneDx Variant Classification Process June 2021. Collection method: clinical testing. Allele origin: germline. Affected: yes.
Comment: Not observed in large population cohorts (Lek et al., 2016)

Ambry Genetics
Classification: Likely benign for Hereditary cancer-predisposing syndrome. Last evaluated: 2015-03-27. Review status: criteria provided, single submitter. Criteria: Ambry Variant Classification Scheme 2023. Collection method: clinical testing. Allele origin: germline.